The following is an entry in ClinVar:

NM_139027.6(ADAMTS13):c.3848T>C (p.Ile1283Thr)

Gene: ADAMTS13 (ADAM metallopeptidase with thrombospondin type 1 motif 13; plus strand). Cytogenetic location: 9q34.2.
Variant type: single nucleotide variant.
Coding change: c.3848T>C on transcript NM_139027.6 (MANE Select); coding-DNA position 3848, T replaced by C.
Protein change: p.Ile1283Thr; replaces isoleucine 1283 with threonine.
Molecular consequence: missense variant.
Genome position (GRCh38, 1-based): chr9:133,458,033, T>C. VCF-style: chr9-133458033-T-C. GRCh37 (hg19) VCF-style: chr9-136323155-T-C.
Other names: c.4016T>C, p.Ile1339Thr (NM_139025.5); c.3755T>C, p.Ile1252Thr (NM_139026.6); short protein forms I1252T, I1283T, I1339T.
Identifiers: ClinVar variation 3251338 (VCV003251338.1), dbSNP rs2490535526.

ClinVar aggregate classification (germline): Uncertain significance (1 of 4 stars; one submission).

Submission:

Women's Health and Genetics/Laboratory Corporation of America, LabCorp
Classification: Uncertain significance. Last evaluated: 2024-04-11. Review status: criteria provided, single submitter. Criteria: LabCorp Variant Classification Summary - May 2015. Collection method: clinical testing. Allele origin: germline.
Comment: Variant summary: ADAMTS13 c.4016T>C (p.Ile1339Thr) results in a non-conservative amino acid change in the encoded protein sequence. Two of three in-silico tools predict a damaging effect of the variant on protein function. The variant was absent in 250432 control chromosomes. The available data on variant occurrences in the general population are insufficient to allow any conclusion about variant significance. To our knowledge, no occurrence of c.4016T>C in individuals affected with Thrombotic Thrombocytopenic Purpura and no experimental evidence demonstrating its impact on protein function have been reported. No submitters have cited clinical-significance assessments for this variant to ClinVar. Based on the evidence outlined above, the variant was classified as uncertain significance.